The following is an entry in ClinVar:

NM_003480.4(MFAP5):c.67C>T (p.Pro23Ser)

Gene: MFAP5 (microfibril associated protein 5; minus strand). Cytogenetic location: 12p13.31.
Variant type: single nucleotide variant.
Coding change: c.67C>T on transcript NM_003480.4 (MANE Select); coding-DNA position 67, C replaced by T.
Protein change: p.Pro23Ser; replaces proline 23 with serine.
Molecular consequence: missense variant. On other transcripts: non-coding transcript variant (2), intron variant (1).
Genome position (GRCh38, 1-based): chr12:8,660,890, G>A on the plus strand (C>T on the coding strand, the complement: MFAP5 is on the minus strand). VCF-style: chr12-8660890-G-A. GRCh37 (hg19) VCF-style: chr12-8813486-G-A.
Other names: c.67C>T, p.Pro23Ser (NM_001297709.2, NM_001297711.2, NM_001297712.2); c.58+1157C>T (NM_001297710.2); short protein forms P23S.
Identifiers: ClinVar variation 4054240 (VCV004054240.1).

ClinVar aggregate classification (germline): Uncertain significance (1 of 4 stars; one submission).

Conditions:
Cardiovascular phenotype. Identifiers: MedGen CN230736.

Submission:

Ambry Genetics
Classification: Uncertain significance for Cardiovascular phenotype. Last evaluated: 2025-05-18. Review status: criteria provided, single submitter. Criteria: Ambry Variant Classification Scheme 2023. Collection method: clinical testing. Allele origin: germline.
Comment: The p.P23S variant (also known as c.67C>T), located in coding exon 2 of the MFAP5 gene, results from a C to T substitution at nucleotide position 67. The proline at codon 23 is replaced by serine, an amino acid with similar properties. This amino acid position is conserved. In addition, this alteration is predicted to be tolerated by in silico analysis. Based on the available evidence, the clinical significance of this variant remains unclear.